The following is an entry in ClinVar:

NM_001267550.2(TTN):c.20397G>A (p.Arg6799=)

Gene: TTN (titin; minus strand). Cytogenetic location: 2q31.2.
Variant type: single nucleotide variant.
Coding change: c.20397G>A on transcript NM_001267550.2 (MANE Select); coding-DNA position 20397, G replaced by A.
Protein change: p.Arg6799=; no amino-acid change (arginine 6799 retained).
Molecular consequence: synonymous variant. On other transcripts: intron variant (3).
Genome position (GRCh38, 1-based): chr2:178,725,925, C>T on the plus strand (G>A on the coding strand, the complement: TTN is on the minus strand). VCF-style: chr2-178725925-C-T. GRCh37 (hg19) VCF-style: chr2-179590652-C-T.
Other names: c.19446G>A, p.Arg6482= (NM_001256850.1); c.16665G>A, p.Arg5555= (NM_133378.4); c.13282+12157G>A (NM_003319.4); c.13858+12157G>A (NM_133437.4); c.13657+12157G>A (NM_133432.3).
Identifiers: ClinVar variation 263621 (VCV000263621.34), dbSNP rs376573256, ClinGen allele CA2001218.

ClinVar aggregate classification (germline): Conflicting classifications of pathogenicity. Review status: criteria provided, conflicting classifications (1 of 4 stars). 9 submissions from 5 submitters: Uncertain significance (3); Benign (3); Likely benign (3). Last evaluated 2026-02-01.

Conditions:
Cardiovascular phenotype. Identifiers: MedGen CN230736.
Autosomal recessive limb-girdle muscular dystrophy type 2J (LGMDR10). Also called: Limb-girdle muscular dystrophy, type 2J; MUSCULAR DYSTROPHY, LIMB-GIRDLE, AUTOSOMAL RECESSIVE 10. Identifiers: Orphanet 140922, MedGen C1837342, MONDO:0012127, OMIM 608807.
Dilated cardiomyopathy 1G (CMD1G). Identifiers: Orphanet 154, MedGen C1858763, MONDO:0011400, OMIM 604145.
Cardiomyopathy (CMYO). Also called: Cardiomyopathies. Identifiers: Orphanet 167848, MedGen C0878544, MONDO:0004994, HP:0001638. Inheritance: Various modes of inheritance.
Early-onset myopathy with fatal cardiomyopathy (CMYO5). Also called: Salih Myopathy; CONGENITAL MYOPATHY 5 WITH CARDIOMYOPATHY. Identifiers: Orphanet 289377, MedGen C2673677, MONDO:0012714, OMIM 611705. Disease mechanism: loss of function.
Tibial muscular dystrophy (TMD). Also called: Udd Distal Myopathy – Tibial Muscular Dystrophy; UDD MYOPATHY; Tibial muscular dystrophy, tardive. Identifiers: Orphanet 609, MedGen C1838244, MONDO:0010870, OMIM 600334.
Myopathy, myofibrillar, 9, with early respiratory failure (MFM9). Also called: EDSTROM MYOPATHY; MYOPATHY, PROXIMAL, WITH EARLY RESPIRATORY MUSCLE INVOLVEMENT; Hereditary myopathy with early respiratory failure; Myopathy, distal, with early respiratory failure, autosomal dominant. Identifiers: Orphanet 178464, Orphanet 34521, MedGen C1863599, MONDO:0011362, OMIM 603689.

Allele frequency attached by ClinVar (database versions not stated): ExAC 0.00002; gnomAD exomes 0.00003; TOPMed 0.00006; ESP Exome Variant Server 0.00008.
gnomAD v4.1: 44 of 1,612,874 alleles (0.0027%); highest among the groups gnomAD compares: Admixed American, 0.0017%; no homozygotes.

Submissions (9):

Labcorp Genetics (formerly Invitae), Labcorp
Classification: Likely benign for Dilated cardiomyopathy 1G; Autosomal recessive limb-girdle muscular dystrophy type 2J. Last evaluated: 2026-02-01. Review status: criteria provided, single submitter. Criteria: Invitae Variant Classification Sherloc (09022015). Collection method: clinical testing. Allele origin: germline.

CeGaT Center for Human Genetics Tuebingen
Classification: Likely benign. Last evaluated: 2025-03-01. Review status: criteria provided, single submitter. Criteria: CeGaT Center For Human Genetics Tuebingen Variant Classification Criteria Version 2. Collection method: clinical testing. Allele origin: germline. Affected: yes. Observed: 2 variant alleles.
Comment: TTN: BP4, BP7

Illumina Laboratory Services, Illumina
Classification: Uncertain significance for Early-onset myopathy with fatal cardiomyopathy. Last evaluated: 2018-02-09. Review status: criteria provided, single submitter. Criteria: ICSL Variant Classification Criteria 13 December 2019. Collection method: clinical testing. Allele origin: germline.

Illumina Laboratory Services, Illumina
Classification: Uncertain significance for Dilated cardiomyopathy 1G. Last evaluated: 2018-02-09. Review status: criteria provided, single submitter. Criteria: ICSL Variant Classification Criteria 13 December 2019. Collection method: clinical testing. Allele origin: germline.

Illumina Laboratory Services, Illumina
Classification: Uncertain significance for Autosomal recessive limb-girdle muscular dystrophy type 2J. Last evaluated: 2018-02-09. Review status: criteria provided, single submitter. Criteria: ICSL Variant Classification Criteria 13 December 2019. Collection method: clinical testing. Allele origin: germline.

Illumina Laboratory Services, Illumina
Classification: Benign for Tibial muscular dystrophy. Last evaluated: 2018-02-08. Review status: criteria provided, single submitter. Criteria: ICSL Variant Classification Criteria 13 December 2019. Collection method: clinical testing. Allele origin: germline.
Comment: This variant was observed in the ICSL laboratory as part of a predisposition screen in an ostensibly healthy population. It had not been previously curated by ICSL or reported in the Human Gene Mutation Database (HGMD: prior to June 1st, 2018), and was therefore a candidate for classification through an automated scoring system. Utilizing variant allele frequency, disease prevalence and penetrance estimates, and inheritance mode, an automated score was calculated to assess if this variant is too frequent to cause the disease. Based on the score and internal cut-off values, a variant classified as benign is not then subjected to further curation. The score for this variant resulted in a classification of benign for this disease.

Illumina Laboratory Services, Illumina
Classification: Benign for Myopathy, myofibrillar, 9, with early respiratory failure. Last evaluated: 2018-02-08. Review status: criteria provided, single submitter. Criteria: ICSL Variant Classification Criteria 13 December 2019. Collection method: clinical testing. Allele origin: germline.
Comment: the same text as in the submission from Illumina Laboratory Services, Illumina above.

CHEO Genetics Diagnostic Laboratory, Children's Hospital of Eastern Ontario
Classification: Benign for Cardiomyopathy. Last evaluated: 2017-11-14. Review status: criteria provided, single submitter. Criteria: ACMG Guidelines, 2015. Collection method: clinical testing. Allele origin: germline.

Ambry Genetics
Classification: Likely benign for Cardiovascular phenotype. Last evaluated: 2013-05-27. Review status: criteria provided, single submitter. Criteria: Ambry Autosomal Dominant and X-Linked criteria (10/2015). Collection method: clinical testing. Allele origin: germline. Observed: 1 variant allele.